The following is an entry in ClinVar:

NM_000059.4(BRCA2):c.9289_9293dup (p.Asn3099fs)

Gene: BRCA2 (BRCA2 DNA repair associated; plus strand). Cytogenetic location: 13q13.1.
Variant type: Duplication.
Coding change: c.9289_9293dup on transcript NM_000059.4 (MANE Select); coding-DNA positions 9289 to 9293, 5 bases duplicated (TGTTA; older notation c.9289_9293dupTGTTA).
Protein change: p.Asn3099fs; shifts the reading frame from asparagine 3099.
Molecular consequence: frameshift variant.
Genome position (GRCh38, 1-based): chr13:32,394,721-32,394,725, TGTTA duplicated; duplicating any 5 consecutive bases within chr13:32,394,720-32,394,725 gives the same sequence; the c. name uses the placement nearest the transcript's 3' end. VCF-style (leftmost placement, unchanged base first): chr13-32394719-A-AATGTT. GRCh37 (hg19) VCF-style: chr13-32968856-A-AATGTT.
Other names: c.9193_9197dup, p.Asn3067Valfs (NM_001406719.1); c.9238_9242dup, p.Asn3082Valfs (NM_001406720.1); c.4357_4361dup, p.Asn1455Valfs (NM_001406721.1); c.2872_2876dup, p.Asn960Valfs (NM_001406722.1); short protein forms N3099fs.
Identifiers: ClinVar variation 2054631 (VCV002054631.4), dbSNP rs2548562009, ClinGen allele CA2580087336.

ClinVar aggregate classification (germline): Pathogenic (1 of 4 stars; one submission).

Conditions:
Hereditary breast ovarian cancer syndrome. Also called: Breast and ovarian cancer; BRCA1- and BRCA2-Associated Hereditary Breast and Ovarian Cancer; Hereditary breast and ovarian cancer syndrome; Hereditary breast and ovarian cancer; Hereditary breast and ovarian cancer syndrome (HBOC); Hereditary breast and/or ovarian cancer syndrome. Identifiers: Orphanet 145, MedGen C0677776, MeSH D061325, MONDO:0003582. Disease mechanism: loss of function.

Submission:

Labcorp Genetics (formerly Invitae), Labcorp
Classification: Pathogenic for Hereditary breast ovarian cancer syndrome. Last evaluated: 2021-12-23. Review status: criteria provided, single submitter. Criteria: Invitae Variant Classification Sherloc (09022015). Collection method: clinical testing. Allele origin: germline.
Comment: This variant is not present in population databases (gnomAD no frequency). This sequence change creates a premature translational stop signal (p.Asn3099Valfs*7) in the BRCA2 gene. It is expected to result in an absent or disrupted protein product. Loss-of-function variants in BRCA2 are known to be pathogenic (PMID: 20104584). This variant has not been reported in the literature in individuals affected with BRCA2-related conditions. For these reasons, this variant has been classified as Pathogenic.

Literature cited by the submitters: PubMed 20104584.